The following is an entry in ClinVar:

NM_206933.4(USH2A):c.12590G>A (p.Gly4197Glu)

Gene: USH2A (usherin; minus strand). Cytogenetic location: 1q41.
Variant type: single nucleotide variant.
Coding change: c.12590G>A on transcript NM_206933.4 (MANE Select); coding-DNA position 12590, G replaced by A.
Protein change: p.Gly4197Glu; replaces glycine 4197 with glutamic acid.
Molecular consequence: missense variant.
Genome position (GRCh38, 1-based): chr1:215,675,321, C>T on the plus strand (G>A on the coding strand, the complement: USH2A is on the minus strand). VCF-style: chr1-215675321-C-T. GRCh37 (hg19) VCF-style: chr1-215848663-C-T.
Other names: short protein forms G4197E.
Identifiers: ClinVar variation 1899330 (VCV001899330.4), dbSNP rs192940286, ClinGen allele CA1393443.

ClinVar aggregate classification (germline): Uncertain significance. Review status: criteria provided, multiple submitters, no conflicts (2 of 4 stars). 2 submissions from 2 submitters: Uncertain significance (2). Last evaluated 2024-04-14.

Allele frequency attached by ClinVar (database versions not stated): gnomAD exomes below 0.00001; gnomAD 0.00001; ExAC 0.00002; 1000 Genomes Project 30x 0.00031; 1000 Genomes Project 0.00040.
gnomAD v4.1: 8 of 1,614,088 alleles (0.0005%); highest among the groups gnomAD compares: Admixed American, 0.01%; no homozygotes.

Submissions (2):

Labcorp Genetics (formerly Invitae), Labcorp
Classification: Uncertain significance. Last evaluated: 2024-04-14. Review status: criteria provided, single submitter. Criteria: Invitae Variant Classification Sherloc (09022015). Collection method: clinical testing. Allele origin: germline.
Comment: This sequence change replaces glycine, which is neutral and non-polar, with glutamic acid, which is acidic and polar, at codon 4197 of the USH2A protein (p.Gly4197Glu). This variant is present in population databases (rs192940286, gnomAD 0.01%). This variant has not been reported in the literature in individuals affected with USH2A-related conditions. ClinVar contains an entry for this variant (Variation ID: 1899330). Advanced modeling of protein sequence and biophysical properties (such as structural, functional, and spatial information, amino acid conservation, physicochemical variation, residue mobility, and thermodynamic stability) performed at Invitae indicates that this missense variant is not expected to disrupt USH2A protein function with a negative predictive value of 95%. In summary, the available evidence is currently insufficient to determine the role of this variant in disease. Therefore, it has been classified as a Variant of Uncertain Significance.

Blueprint Genetics
Classification: Uncertain significance. Last evaluated: 2024-02-26. Review status: criteria provided, single submitter. Criteria: ACMG Guidelines, 2015. Collection method: clinical testing. Allele origin: germline.